The following is an entry in ClinVar:

NM_000051.4(ATM):c.2467-4del

Gene: ATM (ATM serine/threonine kinase; plus strand). Cytogenetic location: 11q22.3.
Variant type: Deletion.
Coding change: c.2467-4del on transcript NM_000051.4 (MANE Select); 4 bases into the intron before coding-DNA position 2467, one base deleted (G; older notation c.2467-4delG).
Molecular consequence: intron variant.
Genome position (GRCh38, 1-based): chr11:108,267,167, G deleted. VCF-style (leftmost placement, unchanged base first): chr11-108267166-TG-T. GRCh37 (hg19) VCF-style: chr11-108137893-TG-T.
Other names: c.2467-4del (NM_001351834.2).
Identifiers: ClinVar variation 3254339 (VCV003254339.1), dbSNP rs2497589096.

ClinVar aggregate classification (germline): Likely benign (1 of 4 stars; one submission).

Conditions:
Familial cancer of breast. Also called: BREAST CANCER, FAMILIAL; Hereditary breast cancer; hereditary breast carcinoma. Identifiers: Orphanet 227535, MedGen C0346153, MONDO:0016419, OMIM 114480. Disease mechanism: loss of function.

Submission:

Myriad Genetics, Inc.
Classification: Likely benign for Familial cancer of breast. Last evaluated: 2024-05-09. Review status: criteria provided, single submitter. Criteria: Myriad Autosomal Dominant, Autosomal Recessive and X-Linked Classification Criteria (2023). Collection method: clinical testing. Allele origin: unknown.
Comment: This variant is considered likely benign. This variant is intronic and is not expected to impact mRNA splicing.